The following is an entry in ClinVar:

ClinVar aggregate classification (germline): Uncertain significance (1 of 4 stars; one submission).

Conditions:
Severe early-onset pulmonary alveolar proteinosis due to MARS deficiency. Also called: PULMONARY ALVEOLAR PROTEINOSIS, REUNION ISLAND; Interstitial lung and liver disease. Identifiers: Orphanet 440427, MedGen C4225400, MONDO:0014206, OMIM 615486.
Charcot-Marie-Tooth disease axonal type 2U. Also called: CHARCOT-MARIE-TOOTH NEUROPATHY, TYPE 2U; CHARCOT-MARIE-TOOTH DISEASE, AXONAL, AUTOSOMAL DOMINANT, TYPE 2U. Identifiers: Orphanet 397735, MedGen C4084821, MONDO:0014566, OMIM 616280.

Allele frequency attached by ClinVar (database versions not stated): gnomAD exomes below 0.00001.
gnomAD v4.1: 2 of 1,613,486 alleles (0.00012%); highest among the groups gnomAD compares: Non-Finnish European, 0.000085%; no homozygotes.

Submission:

Labcorp Genetics (formerly Invitae), Labcorp
Classification: Uncertain significance for Charcot-Marie-Tooth disease axonal type 2U; Severe early-onset pulmonary alveolar proteinosis due to MARS deficiency. Last evaluated: 2023-10-19. Review status: criteria provided, single submitter. Criteria: Invitae Variant Classification Sherloc (09022015). Collection method: clinical testing. Allele origin: germline.
Comment: This sequence change replaces isoleucine, which is neutral and non-polar, with valine, which is neutral and non-polar, at codon 425 of the MARS protein (p.Ile425Val). This variant is not present in population databases (gnomAD no frequency). This variant has not been reported in the literature in individuals affected with MARS-related conditions. An algorithm developed to predict the effect of missense changes on protein structure and function (PolyPhen-2) suggests that this variant is likely to be disruptive. In summary, the available evidence is currently insufficient to determine the role of this variant in disease. Therefore, it has been classified as a Variant of Uncertain Significance.

NM_004990.4(MARS1):c.1273A>G (p.Ile425Val)

Gene: MARS1 (methionyl-tRNA synthetase 1; plus strand). Cytogenetic location: 12q13.3.
Variant type: single nucleotide variant.
Coding change: c.1273A>G on transcript NM_004990.4 (MANE Select); coding-DNA position 1273, A replaced by G.
Protein change: p.Ile425Val; replaces isoleucine 425 with valine.
Molecular consequence: missense variant.
Genome position (GRCh38, 1-based): chr12:57,500,502, A>G. VCF-style: chr12-57500502-A-G. GRCh37 (hg19) VCF-style: chr12-57894285-A-G.
Other names: short protein forms I425V.
Identifiers: ClinVar variation 2938951 (VCV002938951.3), dbSNP rs2140019649, ClinGen allele CA385458497.
Genomic context (GRCh38, chr12:57,500,502, plus strand): 5'-TGTCCCTTCTGTGGCTATGAGGAGGCTCGGGGTGACCAGTGTGACAAGTGTGGCAAGCTC[A>G]TCAATGCTGTCGAGCTTAAGGTAAGAGGAGGGTCTCCATGGGAGCCCGGAAGGAGACAGT-3'
Protein context (NP_004981.2, residues 415-435): GDQCDKCGKL[Ile425Val]NAVELKKPQC